The following is an entry in ClinVar:

ClinVar aggregate classification (germline): Uncertain significance. Review status: criteria provided, multiple submitters, no conflicts (2 of 4 stars). 2 submissions from 2 submitters: Uncertain significance (2). Last evaluated 2025-10-01.

Conditions:
Inborn genetic diseases. Identifiers: MedGen C0950123, MeSH D030342.
Amyotrophic lateral sclerosis type 1 (ALS1). Also called: AMYOTROPHIC LATERAL SCLEROSIS 1, FAMILIAL. Identifiers: Orphanet 803, MedGen C1862939, MONDO:0007103, OMIM 105400.
Neuronopathy, distal hereditary motor, type 7B. Also called: LOWER MOTOR NEURON DISEASE, DYNACTIN TYPE; Distal Hereditary Motor Neuronopathy Type 7B (dHMN7B); HMN VIIB; NEURONOPATHY, DISTAL HEREDITARY MOTOR, AUTOSOMAL DOMINANT 14; NEURONOPATHY, DISTAL HEREDITARY MOTOR, HARDING TYPE VIIB; NEUROPATHY, DISTAL HEREDITARY MOTOR, HARDING TYPE VIIB. Identifiers: Orphanet 139589, MedGen C1843315, MONDO:0011879, OMIM 607641.
Perry syndrome. Also called: PARKINSONISM WITH ALVEOLAR HYPOVENTILATION AND MENTAL DEPRESSION. Identifiers: Orphanet 178509, MedGen C1868594, MONDO:0008201, OMIM 168605.

gnomAD v4.1: 3 of 1,614,080 alleles (0.00019%); highest among the groups gnomAD compares: African/African-American, 0.004%; no homozygotes.

Submissions (2):

Labcorp Genetics (formerly Invitae), Labcorp
Classification: Uncertain significance for Amyotrophic lateral sclerosis type 1; Neuronopathy, distal hereditary motor, type 7B; Perry syndrome. Last evaluated: 2025-10-01. Review status: criteria provided, single submitter. Criteria: Invitae Variant Classification Sherloc (09022015). Collection method: clinical testing. Allele origin: germline.
Comment: This sequence change replaces phenylalanine, which is neutral and non-polar, with leucine, which is neutral and non-polar, at codon 752 of the DCTN1 protein (p.Phe752Leu). This variant is not present in population databases (gnomAD no frequency). This variant has not been reported in the literature in individuals affected with DCTN1-related conditions. ClinVar contains an entry for this variant (Variation ID: 3838661). Invitae Evidence Modeling of protein sequence and biophysical properties (such as structural, functional, and spatial information, amino acid conservation, physicochemical variation, residue mobility, and thermodynamic stability) indicates that this missense variant is not expected to disrupt DCTN1 protein function with a negative predictive value of 95%. In summary, the available evidence is currently insufficient to determine the role of this variant in disease. Therefore, it has been classified as a Variant of Uncertain Significance.

Ambry Genetics
Classification: Uncertain significance for Inborn genetic diseases. Last evaluated: 2025-02-27. Review status: criteria provided, single submitter. Criteria: Ambry Variant Classification Scheme 2023. Collection method: clinical testing. Allele origin: germline.

NM_004082.5(DCTN1):c.2256C>G (p.Phe752Leu)

Gene: DCTN1 (dynactin subunit 1; minus strand). Cytogenetic location: 2p13.1.
Variant type: single nucleotide variant.
Coding change: c.2256C>G on transcript NM_004082.5 (MANE Select); coding-DNA position 2256, C replaced by G.
Protein change: p.Phe752Leu; replaces phenylalanine 752 with leucine.
Molecular consequence: missense variant. On other transcripts: non-coding transcript variant (1).
Genome position (GRCh38, 1-based): chr2:74,367,105, G>C on the plus strand (C>G on the coding strand, the complement: DCTN1 is on the minus strand). VCF-style: chr2-74367105-G-C. GRCh37 (hg19) VCF-style: chr2-74594232-G-C.
Other names: c.2196C>G, p.Phe732Leu (NM_001135040.3); c.1854C>G, p.Phe618Leu (NM_001135041.3, NM_023019.4); c.2145C>G, p.Phe715Leu (NM_001190836.2); c.2235C>G, p.Phe745Leu (NM_001190837.2); c.2205C>G, p.Phe735Leu (NM_001378991.1); c.2187C>G, p.Phe729Leu (NM_001378992.1); short protein forms F618L, F732L, F715L, F752L, F729L, F735L, F745L.
Identifiers: ClinVar variation 3838661 (VCV003838661.2).
Genomic context (GRCh38, chr2:74,367,105, plus strand): 5'-CTGCAAGAAGGCACGCAGCCGTCCTACCTCCACACTCATGCAGTCCAGAGCACTCTGCGT[G>C]AACTGTGAGGATAGAAGCATGCAATCATCAGCCCCCAGCAGGAGCCCTTCTGCCTTATCA-3'
Protein context (NP_004073.2, residues 742-762): CTMQLADHIK[Phe752Leu]TQSALDCMSV